The following is an entry in ClinVar:

NC_000001.10:g.(?_29520534)_(29543217_?)del

Gene: MECR (mitochondrial trans-2-enoyl-CoA reductase; minus strand). Cytogenetic location: 1p35.3.
Variant type: Deletion.
Identifiers: ClinVar variation 3248004 (VCV003248004.1).

ClinVar aggregate classification (germline): Pathogenic (1 of 4 stars; one submission).

Submission:

Labcorp Genetics (formerly Invitae), Labcorp
Classification: Pathogenic. Last evaluated: 2023-02-09. Review status: criteria provided, single submitter. Criteria: Invitae Variant Classification Sherloc (09022015). Collection method: clinical testing. Allele origin: unknown.
Comment: This variant is a gross deletion of the genomic region encompassing exon(s) 2-10 of the MECR gene, which includes the termination codon. This deletion extends beyond the assayed region for this gene and therefore may encompass additional genes. While this deletion is not anticipated to lead to nonsense mediated decay, it is expected to alter mRNA translation or result in a truncated protein product. This variant has not been reported in the literature in individuals affected with MECR-related conditions. This variant disrupts a region of the MECR protein in which other variant(s) (p.Arg258Trp) have been determined to be pathogenic (PMID: 27817865, 31137067). This suggests that this is a clinically significant region of the protein, and that variants that disrupt it are likely to be disease-causing. For these reasons, this variant has been classified as Pathogenic.

Literature cited by the submitters: PubMed 27817865; PubMed 31137067.